The following is an entry in ClinVar:

ClinVar aggregate classification (germline): Uncertain significance. Review status: criteria provided, multiple submitters, no conflicts (2 of 4 stars). 2 submissions from 2 submitters: Uncertain significance (2). Last evaluated 2025-09-07.

Conditions:
Primary dilated cardiomyopathy (DCM). Also called: Dilated Cardiomyopathy. Identifiers: Orphanet 217604, MedGen C0007193, MeSH D002311, MONDO:0005021, HP:0001644. Inheritance: Various modes of inheritance.

Allele frequency attached by ClinVar (database versions not stated): TOPMed 0.00001; ExAC 0.00003; gnomAD 0.00003; gnomAD exomes 0.00003 and 0.00004.
gnomAD v4.1: 56 of 1,612,996 alleles (0.0035%); highest among the groups gnomAD compares: Non-Finnish European, 0.0029%; no homozygotes.

Submissions (2):

Labcorp Genetics (formerly Invitae), Labcorp
Classification: Uncertain significance for Primary dilated cardiomyopathy. Last evaluated: 2025-09-07. Review status: criteria provided, single submitter. Criteria: Invitae Variant Classification Sherloc (09022015). Collection method: clinical testing. Allele origin: germline.
Comment: This sequence change replaces methionine, which is neutral and non-polar, with isoleucine, which is neutral and non-polar, at codon 947 of the NEBL protein (p.Met947Ile). This variant is present in population databases (rs745574506, gnomAD 0.03%). This variant has not been reported in the literature in individuals affected with NEBL-related conditions. ClinVar contains an entry for this variant (Variation ID: 579874). An algorithm developed to predict the effect of missense changes on protein structure and function (PolyPhen-2) suggests that this variant is likely to be tolerated. In summary, the available evidence is currently insufficient to determine the role of this variant in disease. Therefore, it has been classified as a Variant of Uncertain Significance.

Ambry Genetics
Classification: Uncertain significance. Last evaluated: 2025-03-18. Review status: criteria provided, single submitter. Criteria: Ambry Variant Classification Scheme 2023. Collection method: clinical testing. Allele origin: germline.

NM_006393.3(NEBL):c.2841G>A (p.Met947Ile)

Gene: NEBL (nebulette; minus strand). Cytogenetic location: 10p12.31.
Variant type: single nucleotide variant.
Coding change: c.2841G>A on transcript NM_006393.3 (MANE Select); coding-DNA position 2841, G replaced by A.
Protein change: p.Met947Ile; replaces methionine 947 with isoleucine.
Molecular consequence: missense variant.
Genome position (GRCh38, 1-based): chr10:20,787,229, C>T on the plus strand (G>A on the coding strand, the complement: NEBL is on the minus strand). VCF-style: chr10-20787229-C-T. GRCh37 (hg19) VCF-style: chr10-21076158-C-T.
Other names: c.609G>A, p.Met203Ile (NM_001173484.2, NM_213569.2); c.702G>A, p.Met234Ile (NM_001377322.1); c.561G>A, p.Met187Ile (NM_001377323.1); c.552G>A, p.Met184Ile (NM_001377324.1); c.543G>A, p.Met181Ile (NM_001377325.1); c.501G>A, p.Met167Ile (NM_001377326.1, NM_001377327.1, NM_001377328.1); short protein forms M203I, M947I, M167I, M181I, M184I, M187I, M234I.
Identifiers: ClinVar variation 579874 (VCV000579874.11), dbSNP rs745574506, ClinGen allele CA5432303.